The following is an entry in ClinVar:

NM_130837.3(OPA1):c.611G>C (p.Gly204Ala)

Genes: OPA1 (OPA1 mitochondrial dynamin like GTPase; plus strand), OPA1-AS1 (OPA1 antisense RNA 1; minus strand). Cytogenetic location: 3q29.
Variant type: single nucleotide variant.
Coding change: c.611G>C on transcript NM_130837.3 (MANE Select); coding-DNA position 611, G replaced by C.
Protein change: p.Gly204Ala; replaces glycine 204 with alanine.
Molecular consequence: missense variant. On other transcripts: non-coding transcript variant (1).
Genome position (GRCh38, 1-based): chr3:193,618,869, G>C. VCF-style: chr3-193618869-G-C. GRCh37 (hg19) VCF-style: chr3-193336658-G-C.
Other names: c.77G>C, p.Gly26Ala (NM_001354663.2); c.185G>C, p.Gly62Ala (NM_001354664.2); c.557G>C, p.Gly186Ala (NM_015560.3, NM_130836.3); c.449G>C, p.Gly150Ala (NM_130831.3, NM_130833.3); c.503G>C, p.Gly168Ala (NM_130832.3, NM_130835.3); c.611G>C, p.Gly204Ala (NM_130834.3); short protein forms G150A, G26A, G62A, G186A, G204A, G168A.
Identifiers: ClinVar variation 2023409 (VCV002023409.4), dbSNP rs745405591, ClinGen allele CA2759081.

ClinVar aggregate classification (germline): Uncertain significance (1 of 4 stars; one submission).

Allele frequency attached by ClinVar (database versions not stated): gnomAD exomes below 0.00001; ExAC 0.00001.
gnomAD v4.1: 1 of 1,612,730 alleles (0.000062%); highest among the groups gnomAD compares: South Asian, 0.0011%; no homozygotes.

Submission:

Labcorp Genetics (formerly Invitae), Labcorp
Classification: Uncertain significance. Last evaluated: 2022-03-13. Review status: criteria provided, single submitter. Criteria: Invitae Variant Classification Sherloc (09022015). Collection method: clinical testing. Allele origin: germline.
Comment: In summary, the available evidence is currently insufficient to determine the role of this variant in disease. Therefore, it has been classified as a Variant of Uncertain Significance. Algorithms developed to predict the effect of sequence changes on RNA splicing suggest that this variant may create or strengthen a splice site. Algorithms developed to predict the effect of missense changes on protein structure and function (SIFT, PolyPhen-2, Align-GVGD) all suggest that this variant is likely to be tolerated. This variant has not been reported in the literature in individuals affected with OPA1-related conditions. This variant is present in population databases (rs745405591, gnomAD 0.003%). This sequence change replaces glycine, which is neutral and non-polar, with alanine, which is neutral and non-polar, at codon 186 of the OPA1 protein (p.Gly186Ala).